The following is an entry in ClinVar:

NM_152564.5(VPS13B):c.5617G>T (p.Glu1873Ter)

Gene: VPS13B (vacuolar protein sorting 13 homolog B; plus strand). Cytogenetic location: 8q22.2.
Variant type: single nucleotide variant.
Coding change: c.5617G>T on transcript NM_152564.5 (MANE Select); coding-DNA position 5617, G replaced by T.
Protein change: p.Glu1873Ter; replaces glutamic acid 1873 with a stop codon.
Molecular consequence: nonsense.
Genome position (GRCh38, 1-based): chr8:99,642,207, G>T. VCF-style: chr8-99642207-G-T. GRCh37 (hg19) VCF-style: chr8-100654435-G-T.
Other names: c.5692G>T, p.Glu1898Ter (NM_017890.5); short protein forms E1873*, E1898*.
Identifiers: ClinVar variation 2748477 (VCV002748477.3), dbSNP rs774677234, ClinGen allele CA371872949.
Genomic context (GRCh38, chr8:99,642,207, plus strand): 5'-CCAGAAGTTGATTCAGATGTTGCTAAGCCCAACCAGGCATGTATTTCCACGGTGACAGCA[G>T]AAGATCTCTTAAGGAGCAGCATTTCTTTTCCTTCAGGGAAAAAAATAGGGGTCCTCTCTC-3'

ClinVar aggregate classification (germline): Pathogenic (1 of 4 stars; one submission).

Conditions:
Cohen syndrome (COH1). Also called: Cutis verticis gyrata, retinitis pigmentosa, and sensorineural deafness; PEPPER SYNDROME. Identifiers: Orphanet 193, MedGen C0265223, MONDO:0008999, OMIM 216550.

Submission:

Labcorp Genetics (formerly Invitae), Labcorp
Classification: Pathogenic for Cohen syndrome. Last evaluated: 2023-07-30. Review status: criteria provided, single submitter. Criteria: Invitae Variant Classification Sherloc (09022015). Collection method: clinical testing. Allele origin: germline.
Comment: For these reasons, this variant has been classified as Pathogenic. This variant has not been reported in the literature in individuals affected with VPS13B-related conditions. This variant is not present in population databases (gnomAD no frequency). This sequence change creates a premature translational stop signal (p.Glu1898*) in the VPS13B gene. It is expected to result in an absent or disrupted protein product. Loss-of-function variants in VPS13B are known to be pathogenic (PMID: 15141358, 16648375, 20461111).

Literature cited by the submitters: PubMed 15141358; PubMed 16648375; PubMed 20461111.